The following is an entry in ClinVar:

ClinVar aggregate classification (germline): Uncertain significance. Review status: criteria provided, multiple submitters, no conflicts (2 of 4 stars). 2 submissions from 2 submitters: Uncertain significance (2). Last evaluated 2024-05-06.

Allele frequency attached by ClinVar (database versions not stated): gnomAD 0.00034; ESP Exome Variant Server 0.00008; ExAC 0.00013; TOPMed 0.00036; 1000 Genomes Project 0.00040.
gnomAD v4.1: 144 of 1,609,514 alleles (0.0089%); highest among the groups gnomAD compares: African/African-American, 0.096%; no homozygotes.

Submissions (2):

Ambry Genetics
Classification: Uncertain significance. Last evaluated: 2024-05-06. Review status: criteria provided, single submitter. Criteria: Ambry Variant Classification Scheme 2023. Collection method: clinical testing. Allele origin: germline.

Labcorp Genetics (formerly Invitae), Labcorp
Classification: Uncertain significance. Last evaluated: 2022-05-25. Review status: criteria provided, single submitter. Criteria: Invitae Variant Classification Sherloc (09022015). Collection method: clinical testing. Allele origin: germline.
Comment: This variant is present in population databases (rs374920828, gnomAD 0.08%). This sequence change replaces arginine, which is basic and polar, with cysteine, which is neutral and slightly polar, at codon 443 of the CTU2 protein (p.Arg443Cys). This variant has not been reported in the literature in individuals affected with CTU2-related conditions. In summary, the available evidence is currently insufficient to determine the role of this variant in disease. Therefore, it has been classified as a Variant of Uncertain Significance. Algorithms developed to predict the effect of missense changes on protein structure and function are either unavailable or do not agree on the potential impact of this missense change (SIFT: "Not Available"; PolyPhen-2: "Benign"; Align-GVGD: "Not Available").

NM_001012759.3(CTU2):c.1327C>T (p.Arg443Cys)

Gene: CTU2 (cytosolic thiouridylase subunit 2; plus strand). Cytogenetic location: 16q24.3.
Variant type: single nucleotide variant.
Coding change: c.1327C>T on transcript NM_001012759.3 (MANE Select); coding-DNA position 1327, C replaced by T.
Protein change: p.Arg443Cys; replaces arginine 443 with cysteine.
Molecular consequence: missense variant.
Genome position (GRCh38, 1-based): chr16:88,714,712, C>T. VCF-style: chr16-88714712-C-T. GRCh37 (hg19) VCF-style: chr16-88781120-C-T.
Other names: c.1327C>T, p.Arg443Cys (NM_001012762.3); c.1540C>T, p.Arg514Cys (NM_001318507.2); c.1066C>T, p.Arg356Cys (NM_001318513.2); c.1327C>T (NM_001012759.1); short protein forms R356C, R443C, R514C.
Identifiers: ClinVar variation 2063633 (VCV002063633.5), dbSNP rs374920828, ClinGen allele CA8231013.